The following is an entry in ClinVar:

ClinVar aggregate classification (germline): Pathogenic (1 of 4 stars; one submission).

Conditions:
Hereditary cancer-predisposing syndrome. Also called: Hereditary Cancer Syndrome; Neoplastic Syndromes, Hereditary; Hereditary neoplastic syndrome; Tumor predisposition. Identifiers: Orphanet 140162, MedGen C0027672, MeSH D009386, MONDO:0015356.

Submission:

Ambry Genetics
Classification: Pathogenic for Hereditary cancer-predisposing syndrome. Last evaluated: 2016-10-11. Review status: criteria provided, single submitter. Criteria: Ambry Variant Classification Scheme 2023. Collection method: clinical testing. Allele origin: germline.
Comment: The c.1001_1010del10 pathogenic mutation, located in coding exon 7 of the PTCH1 gene, results from a deletion of 10 nucleotides at nucleotide positions 1001 to 1010, causing a translational frameshift with a predicted alternate stop codon. This alteration is expected to result in loss of function by premature protein truncation or nonsense-mediated mRNA decay. As such, this alteration is interpreted as a disease-causing mutation.

NM_000264.5(PTCH1):c.1001_1010del (p.Tyr334fs)

Gene: PTCH1 (patched 1; minus strand). Cytogenetic location: 9q22.32.
Variant type: Deletion.
Coding change: c.1001_1010del on transcript NM_000264.5 (MANE Select); coding-DNA positions 1001 to 1010, 10 bases deleted (ATATGCACTG; older notation c.1001_1010delATATGCACTG).
Protein change: p.Tyr334fs; shifts the reading frame from tyrosine 334.
Molecular consequence: frameshift variant. On other transcripts: non-coding transcript variant (1).
Genome position (GRCh38, 1-based): chr9:95,480,026-95,480,035, CAGTGCATAT deleted on the plus strand (ATATGCACTG on the coding strand, the reverse complement: PTCH1 is on the minus strand). VCF-style (leftmost placement, unchanged base first): chr9-95480025-CCAGTGCATAT-C. GRCh37 (hg19) VCF-style: chr9-98242307-CCAGTGCATAT-C.
Other names: c.803_812del, p.Tyr268fs (NM_001083602.3); c.998_1007del, p.Tyr333fs (NM_001083603.3); c.548_557del, p.Tyr183fs (NM_001083604.3, NM_001083605.3, NM_001083606.3 and 1 more transcripts); c.1001_1010del, p.Tyr334fs (NM_001354918.2); short protein forms Y268fs, Y334fs, Y183fs, Y333fs.
Identifiers: ClinVar variation 428855 (VCV000428855.5), dbSNP rs1554699612, ClinGen allele CA645369411.